The following is an entry in ClinVar:

ClinVar aggregate classification (germline): Uncertain significance (1 of 4 stars; one submission).

Conditions:
Cerebral amyloid angiopathy, APP-related. Also called: AMYLOIDOSIS, CEREBROARTERIAL, APP-RELATED; Cerebral amyloid angiopathy, Dutch, Italian, Iowa, Flemish, Arctic variants. Identifiers: Orphanet 100006, Orphanet 324703, Orphanet 324708, Orphanet 324713, Orphanet 324718, Orphanet 324723, Orphanet 85458, MedGen C2751536, MONDO:0011583, OMIM 605714.

Submission:

Victorian Clinical Genetics Services, Murdoch Childrens Research Institute
Classification: Uncertain significance for Cerebral amyloid angiopathy, APP-related. Last evaluated: 2023-07-17. Review status: criteria provided, single submitter. Criteria: ACMG Guidelines, 2015. Collection method: clinical testing. Allele origin: germline. Inheritance: Autosomal dominant inheritance. Affected: yes.
Comment: Based on the classification scheme VCGS_Germline_v1.3.4, this variant is classified as VUS-3B. Following criteria are met: 0101 - Toxic gain of function is a known mechanism of disease in this gene and is associated with cerebral amyloid angiopathy, APP-related (MONDO:0011583) and Alzheimer disease 1, familial (MIM#104300) (PMID: 24524897). (I) 0107 - This gene is associated with autosomal dominant disease. (I) 0112 - The condition associated with this gene has incomplete penetrance. p.(Ala713Thr) has been reported to exhibit reduced penetrance (PMID: 28350801). (I) 0115 - Variants in this gene are known to have variable expressivity. Age of onset and disease progression can vary (GeneReviews; PMID: 24650794). (I) 0200 - Variant is predicted to result in a missense amino acid change from glycine to valine. (I) 0251 - This variant is heterozygous. (I) 0302 - Variant is present in gnomAD <0.001 for a dominant condition (v2: 1 heterozygote, 0 homozygotes). (SP) 0309 - An alternative amino acid change at the same position has been observed in gnomAD (v2: 1 heterozygote, 0 homozygotes). (I) 0502 - Missense variant with conflicting in silico predictions and uninformative conservation. (I) 0604 - Variant is not located in an established domain, motif, hotspot or informative constraint region. (I) 0705 - No comparable missense variants have previous evidence for pathogenicity. (I) 0807 - This variant has no previous evidence of pathogenicity. (I) 0905 - No published segregation evidence has been identified for this variant. (I) 1007 - No published functional evidence has been identified for this variant. (I) 1208 - Inheritance information for this variant is not currently available in this individual. (I) Legend: (SP) - Supporting pathogenic, (I) - Information, (SB) - Supporting benign

Literature cited by the submitters: PubMed 24524897; PubMed 24650794; PubMed 28350801.

NM_000484.4(APP):c.752G>T (p.Gly251Val)

Gene: APP (amyloid beta precursor protein; minus strand). Cytogenetic location: 21q21.3.
Variant type: single nucleotide variant.
Coding change: c.752G>T on transcript NM_000484.4 (MANE Select); coding-DNA position 752, G replaced by T.
Protein change: p.Gly251Val; replaces glycine 251 with valine.
Molecular consequence: missense variant.
Genome position (GRCh38, 1-based): chr21:26,021,953, C>A on the plus strand (G>T on the coding strand, the complement: APP is on the minus strand). VCF-style: chr21-26021953-C-A. GRCh37 (hg19) VCF-style: chr21-27394269-C-A.
Other names: c.737G>T, p.Gly246Val (NM_001136016.3); c.584G>T, p.Gly195Val (NM_001136129.3, NM_001136130.3); c.647G>T, p.Gly216Val (NM_001136131.3); c.752G>T, p.Gly251Val (NM_001204301.2, NM_001204302.2, NM_001204303.2 and 3 more transcripts); short protein forms G195V, G216V, G246V, G251V.
Identifiers: ClinVar variation 3254698 (VCV003254698.1), dbSNP rs775431597.